The following is an entry in ClinVar:

ClinVar aggregate classification (germline): Likely benign. Review status: criteria provided, multiple submitters, no conflicts (2 of 4 stars). 3 submissions from 3 submitters: Likely benign (2). 1 of the submissions does not count toward it. Last evaluated 2025-05-19.

Conditions:
PRKCSH-related disorder. Also called: PRKCSH-related condition.

Allele frequency attached by ClinVar (database versions not stated): ExAC 0.00002; gnomAD 0.00003; TOPMed 0.00003; gnomAD exomes 0.00012.

Submissions (3):

Labcorp Genetics (formerly Invitae), Labcorp
Classification: Likely benign. Last evaluated: 2025-05-19. Review status: criteria provided, single submitter. Criteria: Invitae Variant Classification Sherloc (09022015). Collection method: clinical testing. Allele origin: germline.

Blueprint Genetics
Classification: Likely benign. Last evaluated: 2021-03-10. Review status: criteria provided, single submitter. Criteria: ACMG Guidelines, 2015. Collection method: clinical testing. Allele origin: germline.

PreventionGenetics, part of Exact Sciences
Classification: Likely benign for PRKCSH-related condition. Last evaluated: 2019-05-28. Review status: no assertion criteria provided. Collection method: clinical testing. Allele origin: germline. Not counted in ClinVar's aggregate classification.
Comment: This variant is classified as likely benign based on ACMG/AMP sequence variant interpretation guidelines (Richards et al. 2015 PMID: 25741868, with internal and published modifications).

NM_001289104.2(PRKCSH):c.156C>T (p.Asn52=)

Gene: PRKCSH (PRKCSH beta subunit of glucosidase II; plus strand). Cytogenetic location: 19p13.2.
Variant type: single nucleotide variant.
Coding change: c.156C>T on transcript NM_001289104.2 (MANE Select); coding-DNA position 156, C replaced by T.
Protein change: p.Asn52=; no amino-acid change (asparagine 52 retained).
Molecular consequence: synonymous variant.
Genome position (GRCh38, 1-based): chr19:11,436,465, C>T. VCF-style: chr19-11436465-C-T. GRCh37 (hg19) VCF-style: chr19-11547286-C-T.
Other names: c.156C>T, p.Asn52= (NM_001001329.3, NM_001289102.2, NM_001289103.2 and 3 more transcripts).
Identifiers: ClinVar variation 3038567 (VCV003038567.4), dbSNP rs765935591, ClinGen allele CA9212715.